The following is an entry in ClinVar:

ClinVar aggregate classification (germline): Pathogenic. Review status: criteria provided, single submitter (1 of 4 stars). 2 submissions from 2 submitters: Pathogenic (1). 1 of the submissions does not count toward it. Last evaluated 2022-08-20.

Conditions:
Ornithine carbamoyltransferase deficiency (OTCD). Also called: ORNITHINE TRANSCARBAMYLASE DEFICIENCY, HYPERAMMONEMIA DUE TO; ORNITHINE TRANSCARBAMYLASE DEFICIENCY; OTC DEFICIENCY; Ornithine Carbamoyltransferase Deficiency Disease. Identifiers: Orphanet 664, MedGen C0268542, MONDO:0010703, OMIM 311250.

Submissions (2):

Labcorp Genetics (formerly Invitae), Labcorp
Classification: Pathogenic for Ornithine carbamoyltransferase deficiency. Last evaluated: 2022-08-20. Review status: criteria provided, single submitter. Criteria: Invitae Variant Classification Sherloc (09022015). Collection method: clinical testing. Allele origin: germline.
Comment: For these reasons, this variant has been classified as Pathogenic. Experimental studies have shown that this missense change affects OTC function (PMID: 8112735). Advanced modeling of protein sequence and biophysical properties (such as structural, functional, and spatial information, amino acid conservation, physicochemical variation, residue mobility, and thermodynamic stability) performed at Invitae indicates that this missense variant is expected to disrupt OTC protein function. ClinVar contains an entry for this variant (Variation ID: 97326). This missense change has been observed in individual(s) with ornithine transcarbamylase deficiency (PMID: 8295401, 8365726, 10737985). This variant is not present in population databases (gnomAD no frequency). This sequence change replaces threonine, which is neutral and polar, with alanine, which is neutral and non-polar, at codon 264 of the OTC protein (p.Thr264Ala).

GenMed Metabolism Lab
Classification: Pathogenic. Review status: no assertion criteria provided. Collection method: not provided. Allele origin: unknown. Not counted in ClinVar's aggregate classification.
Comment: p.Thr264Ala, Late
ClinVar note: Converted during submission from pathogenic to Pathogenic.

Literature cited by the submitters: PubMed 8112735 (cited by Labcorp Genetics (formerly Invitae), Labcorp); PubMed 8295401 (cited by Labcorp Genetics (formerly Invitae), Labcorp); PubMed 8365726 (cited by Labcorp Genetics (formerly Invitae), Labcorp); PubMed 10737985 (cited by Labcorp Genetics (formerly Invitae), Labcorp).

NM_000531.6(OTC):c.790A>G (p.Thr264Ala)

Gene: OTC (ornithine transcarbamylase; plus strand). Cytogenetic location: Xp11.4.
Variant type: single nucleotide variant.
Coding change: c.790A>G on transcript NM_000531.6 (MANE Select); coding-DNA position 790, A replaced by G.
Protein change: p.Thr264Ala; replaces threonine 264 with alanine.
Molecular consequence: missense variant.
Genome position (GRCh38, 1-based): chrX:38,408,948, A>G. VCF-style: chrX-38408948-A-G. GRCh37 (hg19) VCF-style: chrX-38268201-A-G.
Other names: short protein forms T264A.
Identifiers: ClinVar variation 97326 (VCV000097326.7), dbSNP rs72558444, ClinGen allele CA224789.